The following is an entry in ClinVar:

ClinVar aggregate classification (germline): Pathogenic (1 of 4 stars; one submission).

Submission:

Labcorp Genetics (formerly Invitae), Labcorp
Classification: Pathogenic. Last evaluated: 2022-06-26. Review status: criteria provided, single submitter. Criteria: Invitae Variant Classification Sherloc (09022015). Collection method: clinical testing. Allele origin: germline.
Comment: For these reasons, this variant has been classified as Pathogenic. This variant disrupts a region of the PRPF31 protein in which other variant(s) (p.Gln409Alafs*66) have been determined to be pathogenic (PMID: 30360737). This suggests that this is a clinically significant region of the protein, and that variants that disrupt it are likely to be disease-causing. Experimental studies and prediction algorithms are not available or were not evaluated, and the functional significance of this variant is currently unknown. This variant has not been reported in the literature in individuals affected with PRPF31-related conditions. This variant is not present in population databases (gnomAD no frequency). This sequence change creates a premature translational stop signal (p.Asp386Glufs*90) in the PRPF31 gene. While this is not anticipated to result in nonsense mediated decay, it is expected to disrupt the last 114 amino acid(s) of the PRPF31 protein.

Literature cited by the submitters: PubMed 30360737.

NM_015629.4(PRPF31):c.1154_1157dup (p.Asp386fs)

Gene: PRPF31 (pre-mRNA processing factor 31; plus strand). Cytogenetic location: 19q13.42.
Variant type: Duplication.
Coding change: c.1154_1157dup on transcript NM_015629.4 (MANE Select); coding-DNA positions 1154 to 1157, 4 bases duplicated (AGGA; older notation c.1154_1157dupAGGA).
Protein change: p.Asp386fs; shifts the reading frame from aspartic acid 386.
Molecular consequence: frameshift variant.
Genome position (GRCh38, 1-based): chr19:54,129,064-54,129,067, AGGA duplicated. VCF-style (leftmost placement, unchanged base first): chr19-54129063-G-GAGGA. GRCh37 (hg19) VCF-style: chr19-54632438-G-GAGGA.
Other names: short protein forms D386fs.
Identifiers: ClinVar variation 2011037 (VCV002011037.4), dbSNP rs2516205141, ClinGen allele CA2580097792.